The following is an entry in ClinVar:

ClinVar aggregate classification (germline): Likely benign. Review status: criteria provided, single submitter (1 of 4 stars). 2 submissions from 2 submitters: Likely benign (1). 1 of the submissions does not count toward it. Last evaluated 2025-02-27.

Conditions:
CRB2-related disorder. Also called: CRB2-related disorders; CRB2-related condition.

gnomAD v4.1: 6 of 1,597,610 alleles (0.00038%); highest among the groups gnomAD compares: Non-Finnish European, 0.00051%; no homozygotes.

Submissions (2):

Labcorp Genetics (formerly Invitae), Labcorp
Classification: Likely benign. Last evaluated: 2025-02-27. Review status: criteria provided, single submitter. Criteria: Invitae Variant Classification Sherloc (09022015). Collection method: clinical testing. Allele origin: germline.

PreventionGenetics, part of Exact Sciences
Classification: Likely benign for CRB2-related condition. Last evaluated: 2023-12-07. Review status: no assertion criteria provided. Collection method: clinical testing. Allele origin: germline. Not counted in ClinVar's aggregate classification.
Comment: This variant is classified as likely benign based on ACMG/AMP sequence variant interpretation guidelines (Richards et al. 2015 PMID: 25741868, with internal and published modifications).

NM_173689.7(CRB2):c.138G>C (p.Pro46=)

Gene: CRB2 (crumbs cell polarity complex component 2; plus strand). Cytogenetic location: 9q33.3.
Variant type: single nucleotide variant.
Coding change: c.138G>C on transcript NM_173689.7 (MANE Select); coding-DNA position 138, G replaced by C.
Protein change: p.Pro46=; no amino-acid change (proline 46 retained).
Molecular consequence: synonymous variant.
Genome position (GRCh38, 1-based): chr9:123,362,908, G>C. VCF-style: chr9-123362908-G-C. GRCh37 (hg19) VCF-style: chr9-126125187-G-C.
Identifiers: ClinVar variation 3031396 (VCV003031396.3), dbSNP rs758099882, ClinGen allele CA5231557.